The following is an entry in ClinVar:

ClinVar aggregate classification (germline): Uncertain significance (1 of 4 stars; one submission).

Conditions:
Congenital myopathy with internal nuclei and atypical cores. Also called: Myopathy, centronuclear, 4. Identifiers: Orphanet 319160, MedGen C4707232, MONDO:0013890, OMIM 614807.

Allele frequency attached by ClinVar (database versions not stated): gnomAD exomes below 0.00001.
gnomAD v4.1: 1 of 1,612,246 alleles (0.000062%); highest among the groups gnomAD compares: Non-Finnish European, 0.000085%; no homozygotes.

Submission:

Labcorp Genetics (formerly Invitae), Labcorp
Classification: Uncertain significance for Congenital myopathy with internal nuclei and atypical cores. Last evaluated: 2023-02-27. Review status: criteria provided, single submitter. Criteria: Invitae Variant Classification Sherloc (09022015). Collection method: clinical testing. Allele origin: germline.
Comment: Advanced modeling of protein sequence and biophysical properties (such as structural, functional, and spatial information, amino acid conservation, physicochemical variation, residue mobility, and thermodynamic stability) performed at Invitae indicates that this missense variant is not expected to disrupt CCDC78 protein function. This variant has not been reported in the literature in individuals affected with CCDC78-related conditions. This variant is not present in population databases (gnomAD no frequency). This sequence change replaces threonine, which is neutral and polar, with alanine, which is neutral and non-polar, at codon 430 of the CCDC78 protein (p.Thr430Ala). In summary, the available evidence is currently insufficient to determine the role of this variant in disease. Therefore, it has been classified as a Variant of Uncertain Significance.

NM_001378030.1(CCDC78):c.1292A>G (p.His431Arg)

Gene: CCDC78 (coiled-coil domain containing 78; minus strand). Cytogenetic location: 16p13.3.
Variant type: single nucleotide variant.
Coding change: c.1292A>G on transcript NM_001378030.1 (MANE Select); coding-DNA position 1292, A replaced by G.
Protein change: p.His431Arg; replaces histidine 431 with arginine.
Molecular consequence: missense variant. On other transcripts: non-coding transcript variant (5).
Genome position (GRCh38, 1-based): chr16:722,931, T>C on the plus strand (A>G on the coding strand, the complement: CCDC78 is on the minus strand). VCF-style: chr16-722931-T-C. GRCh37 (hg19) VCF-style: chr16-772931-T-C.
Other names: c.1288A>G, p.Thr430Ala (NM_001031737.3); c.1112A>G, p.His371Arg (NM_001378031.1); c.725A>G, p.His242Arg (NM_001378033.1); short protein forms H431R, T430A, H242R, H371R.
Identifiers: ClinVar variation 2719274 (VCV002719274.3), dbSNP rs2543933904, ClinGen allele CA394097321.